The following is an entry in ClinVar:

NM_000089.4(COL1A2):c.1854_1856del (p.Asp618_Gly619delinsGlu)

Gene: COL1A2 (collagen type I alpha 2 chain; plus strand). Cytogenetic location: 7q21.3.
Variant type: Deletion.
Coding change: c.1854_1856del on transcript NM_000089.4 (MANE Select); coding-DNA positions 1854 to 1856, 3 bases deleted (TGG; older notation c.1854_1856delTGG).
Protein change: p.Asp618_Gly619delinsGlu.
Molecular consequence: inframe indel.
Genome position (GRCh38, 1-based): chr7:94,416,494-94,416,496, TGG deleted. VCF-style (leftmost placement, unchanged base first): chr7-94416493-ATGG-A. GRCh37 (hg19) VCF-style: chr7-94045805-ATGG-A.
Identifiers: ClinVar variation 1468176 (VCV001468176.8), dbSNP rs2115917306, ClinGen allele CA2573142437.

ClinVar aggregate classification (germline): Likely pathogenic (1 of 4 stars; one submission).

Conditions:
Ehlers-Danlos syndrome, classic type, 1 (EDSCL1). Also called: EHLERS-DANLOS SYNDROME, GRAVIS TYPE; EHLERS-DANLOS SYNDROME, SEVERE CLASSIC TYPE; Ehlers-Danlos syndrome, type 1; Ehlers-Danlos Syndrome, Classic Type, COL5A1-Related; EDS I. Identifiers: MedGen C0268335, MONDO:0019567, OMIM 130000.
Osteogenesis imperfecta type I (OI1). Also called: OI, TYPE I; OSTEOGENESIS IMPERFECTA TARDA; OSTEOGENESIS IMPERFECTA WITH BLUE SCLERAE; Osteogenesis imperfecta type 1; Lobstein's Disease; Lobstein disease. Identifiers: Orphanet 216796, Orphanet 666, MedGen C0023931, MONDO:0008146, OMIM 166200. Disease mechanism: loss of function.

Submission:

Labcorp Genetics (formerly Invitae), Labcorp
Classification: Likely pathogenic for Osteogenesis imperfecta type I; Ehlers-Danlos syndrome, classic type, 1. Last evaluated: 2024-10-07. Review status: criteria provided, single submitter. Criteria: Invitae Variant Classification Sherloc (09022015). Collection method: clinical testing. Allele origin: germline.
Comment: This variant, c.1854_1856del, is a complex sequence change that results in the deletion of 2 and insertion of 1 amino acid(s) in the COL1A2 protein (p.Asp618_Gly619delinsGlu). This variant is not present in population databases (gnomAD no frequency). This variant has not been reported in the literature in individuals affected with COL1A2-related conditions. ClinVar contains an entry for this variant (Variation ID: 1468176). This variant disrupts the triple helix domain of COL1A2. Glycine residues within the Gly-Xaa-Yaa repeats of the triple helix domain are required for the structure and stability of fibrillar collagens (PMID: 7695699, 8218237, 19344236). In COL1A2, variants affecting these glycine residues are significantly enriched in individuals with disease (PMID: 9016532, 17078022) compared to the general population (ExAC). In summary, the currently available evidence indicates that the variant is pathogenic, but additional data are needed to prove that conclusively. Therefore, this variant has been classified as Likely Pathogenic.

Literature cited by the submitters: PubMed 7695699; PubMed 8218237; PubMed 19344236; PubMed 9016532; PubMed 17078022.